The following is an entry in ClinVar:

NM_006662.3(SRCAP):c.4614C>T (p.Asn1538=)

Gene: SRCAP (Snf2 related CREBBP activator protein; plus strand). Cytogenetic location: 16p11.2.
Variant type: single nucleotide variant.
Coding change: c.4614C>T on transcript NM_006662.3 (MANE Select); coding-DNA position 4614, C replaced by T.
Protein change: p.Asn1538=; no amino-acid change (asparagine 1538 retained).
Molecular consequence: synonymous variant.
Genome position (GRCh38, 1-based): chr16:30,724,038, C>T. VCF-style: chr16-30724038-C-T. GRCh37 (hg19) VCF-style: chr16-30735359-C-T.
Identifiers: ClinVar variation 3032274 (VCV003032274.2), dbSNP rs761543330, ClinGen allele CA8011784.

ClinVar aggregate classification (germline): Likely benign (0 of 4 stars; one submission).

Conditions:
SRCAP-related disorder. Also called: SRCAP-related condition.

Allele frequency attached by ClinVar (database versions not stated): ExAC 0.00001.
gnomAD v4.1: 4 of 1,613,962 alleles (0.00025%); highest among the groups gnomAD compares: South Asian, 0.0011%; no homozygotes.

Submission:

PreventionGenetics, part of Exact Sciences
Classification: Likely benign for SRCAP-related condition. Last evaluated: 2021-02-16. Review status: no assertion criteria provided. Collection method: clinical testing. Allele origin: germline.
Comment: This variant is classified as likely benign based on ACMG/AMP sequence variant interpretation guidelines (Richards et al. 2015 PMID: 25741868, with internal and published modifications).